The following is an entry in ClinVar:

ClinVar aggregate classification (germline): Likely pathogenic (1 of 4 stars; one submission).

Submission:

GeneDx
Classification: Likely pathogenic. Last evaluated: 2024-11-04. Review status: criteria provided, single submitter. Criteria: GeneDx Variant Classification Process June 2021. Collection method: clinical testing. Allele origin: germline. Affected: yes.
Comment: Canonical splice site variant predicted to result in an in-frame loss of the adjacent exon in a gene for which loss of function is a known mechanism of disease; Functional studies suggest this variant causes aberrant splicing (PMID: 10607834); Not observed at significant frequency in large population cohorts (gnomAD); Also known as IVS27b+1del9; This variant is associated with the following publications: (PMID: 10607834)

NM_001042492.3(NF1):c.4835+1_4835+9del

Gene: NF1 (neurofibromin 1; plus strand). Cytogenetic location: 17q11.2.
Variant type: Deletion.
Coding change: c.4835+1_4835+9del on transcript NM_001042492.3 (MANE Select); the canonical splice donor site of the intron after coding-DNA position 4835 through 9 bases into the intron after coding-DNA position 4835, 9 bases deleted (GTAAGAAAT; older notation c.4835+1_4835+9delGTAAGAAAT).
Molecular consequence: splice donor variant.
Genome position (GRCh38, 1-based): chr17:31,265,340-31,265,348, GTAAGAAAT deleted. VCF-style (leftmost placement, unchanged base first): chr17-31265339-GGTAAGAAAT-G. GRCh37 (hg19) VCF-style: chr17-29592357-GGTAAGAAAT-G.
Other names: c.4772+1_4772+9del (NM_000267.4).
Identifiers: ClinVar variation 3897164 (VCV003897164.1).